The following is an entry in ClinVar:

NM_002292.4(LAMB2):c.4882del (p.Ala1628fs)

Gene: LAMB2 (laminin subunit beta 2; minus strand). Cytogenetic location: 3p21.31.
Variant type: Deletion.
Coding change: c.4882del on transcript NM_002292.4 (MANE Select); coding-DNA position 4882, one base deleted (G; older notation c.4882delG).
Protein change: p.Ala1628fs; shifts the reading frame from alanine 1628.
Molecular consequence: frameshift variant.
Genome position (GRCh38, 1-based): chr3:49,121,985, C deleted on the plus strand (G on the coding strand, the reverse complement: LAMB2 is on the minus strand); the first of 6 consecutive C bases (chr3:49,121,985-49,121,990); deleting any one gives the same sequence. VCF-style (leftmost placement, unchanged base first): chr3-49121984-GC-G. GRCh37 (hg19) VCF-style: chr3-49159417-GC-G.
Other names: short protein forms A1628fs.
Identifiers: ClinVar variation 3749579 (VCV003749579.2).
Genomic context (GRCh38, chr3:49,121,984, plus strand): 5'-ATGTCCTAGGAAGACCTCACCTGGTACAGGGTCTGCTCTGTGTCCCGTGTGTCAGCCACT[GC>G]CCCCCGGATGGCACCCTGGGCAATACCCTGTGCCCGCTGGGCCTCCTCCAGTGCTGCCTG-3'

ClinVar aggregate classification (germline): Pathogenic (1 of 4 stars; one submission).

Conditions:
Pierson syndrome. Also called: MICROCORIA-CONGENITAL NEPHROTIC SYNDROME. Identifiers: Orphanet 2670, MedGen C1836876, MONDO:0012184, OMIM 609049.
LAMB2-related infantile-onset nephrotic syndrome. Also called: Nephrotic Syndrome, type 5; NEPHROTIC SYNDROME, TYPE 5, WITHOUT OCULAR ABNORMALITIES; NEPHROTIC SYNDROME, TYPE 5, WITH OCULAR ABNORMALITIES. Identifiers: Orphanet 306507, MedGen C3280113, MONDO:0013621, OMIM 614199.

Submission:

Labcorp Genetics (formerly Invitae), Labcorp
Classification: Pathogenic for LAMB2-related infantile-onset nephrotic syndrome; Pierson syndrome. Last evaluated: 2024-04-25. Review status: criteria provided, single submitter. Criteria: Invitae Variant Classification Sherloc (09022015). Collection method: clinical testing. Allele origin: germline.
Comment: This sequence change creates a premature translational stop signal (p.Ala1628Glnfs*26) in the LAMB2 gene. It is expected to result in an absent or disrupted protein product. Loss-of-function variants in LAMB2 are known to be pathogenic (PMID: 15367484). This variant is not present in population databases (gnomAD no frequency). This variant has not been reported in the literature in individuals affected with LAMB2-related conditions. For these reasons, this variant has been classified as Pathogenic.

Literature cited by the submitters: PubMed 15367484.